The following is an entry in ClinVar:

NM_006506.5(RASA2):c.50C>T (p.Ala17Val)

Genes: RASA2 (RAS p21 protein activator 2; plus strand), LOC129937686 (ATAC-STARR-seq lymphoblastoid silent region 14777; plus strand). Cytogenetic location: 3q23.
Variant type: single nucleotide variant.
Coding change: c.50C>T on transcript NM_006506.5 (MANE Select); coding-DNA position 50, C replaced by T.
Protein change: p.Ala17Val; replaces alanine 17 with valine.
Molecular consequence: missense variant.
Genome position (GRCh38, 1-based): chr3:141,487,133, C>T. VCF-style: chr3-141487133-C-T. GRCh37 (hg19) VCF-style: chr3-141205975-C-T.
Other names: c.50C>T, p.Ala17Val (NM_001303245.3, NM_001303246.3); short protein forms A17V.
Identifiers: ClinVar variation 1745337 (VCV001745337.3), dbSNP rs771121510, ClinGen allele CA354773667.
Genomic context (GRCh38, chr3:141,487,133, plus strand): 5'-CGGGCGGCACCATGGCGGCGGCGGCGCCTGCTGCTGCGGCGGCTTCTTCCGAGGCGCCAG[C>T]GGCGAGTGCGACTGCAGAGCCCGAGGCCGGGGACCAGGACAGTCGCGAGGTTCGAGTGTT-3'
Protein context (NP_006497.2, residues 7-27): AAAAASSEAP[Ala17Val]ASATAEPEAG

ClinVar aggregate classification (germline): Uncertain significance (1 of 4 stars; one submission).

gnomAD v4.1: 2 of 1,445,192 alleles (0.00014%); highest among the groups gnomAD compares: South Asian, 0.0013%; no homozygotes.

Submission:

Ambry Genetics
Classification: Uncertain significance. Last evaluated: 2024-08-19. Review status: criteria provided, single submitter. Criteria: Ambry Variant Classification Scheme 2023. Collection method: clinical testing. Allele origin: germline.
Comment: The p.A17V variant (also known as c.50C>T), located in coding exon 1 of the RASA2 gene, results from a C to T substitution at nucleotide position 50. The alanine at codon 17 is replaced by valine, an amino acid with similar properties. This amino acid position is conserved. In addition, this alteration is predicted to be tolerated by in silico analysis. Since supporting evidence is limited at this time, the clinical significance of this alteration remains unclear.